The following is an entry in ClinVar:

ClinVar aggregate classification (germline): Uncertain significance. Review status: criteria provided, multiple submitters, no conflicts (2 of 4 stars). 2 submissions from 2 submitters: Uncertain significance (2). Last evaluated 2026-08-10.

Conditions:
Brugada syndrome. Also called: Sudden unexpected nocturnal death syndrome; Sudden unexplained nocturnal death syndrome; Sudden Unexplained Death Syndrome; Sudden Unexplained Nocturnal Death Syndrome (SUNDS). Identifiers: Orphanet 130, MedGen C1142166, MONDO:0015263.
Cardiovascular phenotype. Identifiers: MedGen CN230736.

Allele frequency attached by ClinVar (database versions not stated): gnomAD exomes below 0.00001; TOPMed below 0.00001; gnomAD 0.00001.

Submissions (2):

Ambry Genetics
Classification: Uncertain significance for Cardiovascular phenotype. Last evaluated: 2026-08-10. Review status: criteria provided, single submitter. Criteria: Ambry Variant Classification Scheme 2023. Collection method: clinical testing. Allele origin: germline.
Comment: The p.M1525T variant (also known as c.4574T>C), located in coding exon 26 of the SCN10A gene, results from a T to C substitution at nucleotide position 4574. The methionine at codon 1525 is replaced by threonine, an amino acid with similar properties. This amino acid position is conserved. In addition, the in silico prediction for this alteration is inconclusive. Based on the available evidence, the clinical significance of this variant remains unclear.

Labcorp Genetics (formerly Invitae), Labcorp
Classification: Uncertain significance for Brugada syndrome. Last evaluated: 2025-11-03. Review status: criteria provided, single submitter. Criteria: Invitae Variant Classification Sherloc (09022015). Collection method: clinical testing. Allele origin: germline.
Comment: This sequence change replaces methionine, which is neutral and non-polar, with threonine, which is neutral and polar, at codon 1525 of the SCN10A protein (p.Met1525Thr). This variant is present in population databases (no rsID available, gnomAD 0.003%). This variant has not been reported in the literature in individuals affected with SCN10A-related conditions. ClinVar contains an entry for this variant (Variation ID: 2168290). Invitae Evidence Modeling of protein sequence and biophysical properties (such as structural, functional, and spatial information, amino acid conservation, physicochemical variation, residue mobility, and thermodynamic stability) has been performed for this missense variant. However, the output from this modeling did not meet the statistical confidence thresholds required to predict the impact of this variant on SCN10A protein function. In summary, the available evidence is currently insufficient to determine the role of this variant in disease. Therefore, it has been classified as a Variant of Uncertain Significance.

NM_006514.4(SCN10A):c.4574T>C (p.Met1525Thr)

Gene: SCN10A (sodium voltage-gated channel alpha subunit 10; minus strand). Cytogenetic location: 3p22.2.
Variant type: single nucleotide variant.
Coding change: c.4574T>C on transcript NM_006514.4 (MANE Select); coding-DNA position 4574, T replaced by C.
Protein change: p.Met1525Thr; replaces methionine 1525 with threonine.
Molecular consequence: missense variant.
Genome position (GRCh38, 1-based): chr3:38,701,922, A>G on the plus strand (T>C on the coding strand, the complement: SCN10A is on the minus strand). VCF-style: chr3-38701922-A-G. GRCh37 (hg19) VCF-style: chr3-38743413-A-G.
Other names: c.4571T>C, p.Met1524Thr (NM_001293306.2); c.4280T>C, p.Met1427Thr (NM_001293307.2); c.4574T>C (NM_006514.2); short protein forms M1525T, M1427T, M1524T.
Identifiers: ClinVar variation 2168290 (VCV002168290.5), dbSNP rs1299789777, ClinGen allele CA352145984.
Genomic context (GRCh38, chr3:38,701,922, plus strand): 5'-ATGAAGTCAAACACATTCCAGCCATTTGTGAAGTAGTACTGCCTCAAAGCGAACATCTTC[A>G]TGACACATTCGCCTGTGAAGACGGCCACAAAGAACTGGTTGATTTTGCCCAGAATTTTCG-3'
Protein context (NP_006505.4, residues 1515-1535): FVAVFTGECV[Met1525Thr]KMFALRQYYF